The following is an entry in ClinVar:

NM_006734.4(HIVEP2):c.6247T>C (p.Ser2083Pro)

Gene: HIVEP2 (HIVEP zinc finger 2; minus strand). Cytogenetic location: 6q24.2.
Variant type: single nucleotide variant.
Coding change: c.6247T>C on transcript NM_006734.4 (MANE Select); coding-DNA position 6247, T replaced by C.
Protein change: p.Ser2083Pro; replaces serine 2083 with proline.
Molecular consequence: missense variant.
Genome position (GRCh38, 1-based): chr6:142,760,041, A>G on the plus strand (T>C on the coding strand, the complement: HIVEP2 is on the minus strand). VCF-style: chr6-142760041-A-G. GRCh37 (hg19) VCF-style: chr6-143081178-A-G.
Other names: short protein forms S2083P.
Identifiers: ClinVar variation 2310024 (VCV002310024.5), dbSNP rs777429102, ClinGen allele CA4027716.
Genomic context (GRCh38, chr6:142,760,041, plus strand): 5'-TTTGGGACATCTCTCTTCTCAATGCAGCTTCCTTTCTTGGTGAAAGATGTCTCATGGGTG[A>G]CAGATCTCTCCTAGGTGATAAATGTCTCCTGGGAGATAAATCTCCTTTGGGTATCAGATA-3'
Protein context (NP_006725.3, residues 2073-2093): RRHLSPRRDL[Ser2083Pro]PMRHLSPRKE

ClinVar aggregate classification (germline): Uncertain significance. Review status: criteria provided, multiple submitters, no conflicts (2 of 4 stars). 2 submissions from 2 submitters: Uncertain significance (2). Last evaluated 2025-08-27.

Conditions:
Inborn genetic diseases. Identifiers: MedGen C0950123, MeSH D030342.

Allele frequency attached by ClinVar (database versions not stated): gnomAD exomes below 0.00001; ExAC 0.00001; gnomAD 0.00001; TOPMed 0.00001.
gnomAD v4.1: 7 of 1,613,992 alleles (0.00043%); highest among the groups gnomAD compares: Non-Finnish European, 0.00042%; no homozygotes.

Submissions (2):

Ambry Genetics
Classification: Uncertain significance for Inborn genetic diseases. Last evaluated: 2025-08-27. Review status: criteria provided, single submitter. Criteria: Ambry Variant Classification Scheme 2023. Collection method: clinical testing. Allele origin: germline.

Labcorp Genetics (formerly Invitae), Labcorp
Classification: Uncertain significance. Last evaluated: 2024-08-28. Review status: criteria provided, single submitter. Criteria: Invitae Variant Classification Sherloc (09022015). Collection method: clinical testing. Allele origin: germline.
Comment: This sequence change replaces serine, which is neutral and polar, with proline, which is neutral and non-polar, at codon 2083 of the HIVEP2 protein (p.Ser2083Pro). This variant is present in population databases (rs777429102, gnomAD 0.0009%). This variant has not been reported in the literature in individuals affected with HIVEP2-related conditions. ClinVar contains an entry for this variant (Variation ID: 2310024). An algorithm developed to predict the effect of missense changes on protein structure and function (PolyPhen-2) suggests that this variant is likely to be disruptive. In summary, the available evidence is currently insufficient to determine the role of this variant in disease. Therefore, it has been classified as a Variant of Uncertain Significance.